The following is an entry in ClinVar:

ClinVar aggregate classification (germline): Likely benign (0 of 4 stars; one submission).

Conditions:
ZNF804A-related disorder. Also called: ZNF804A-related condition.

Allele frequency attached by ClinVar (database versions not stated): gnomAD exomes 0.00055; ExAC 0.00175; gnomAD 0.00539; 1000 Genomes Project 0.00559; TOPMed 0.00624; 1000 Genomes Project 30x 0.00625; ESP Exome Variant Server 0.00692.
gnomAD v4.1: 1,648 of 1,602,824 alleles (0.1%); highest among the groups gnomAD compares: African/African-American, 1.9%; 17 homozygotes.

Submission:

PreventionGenetics, part of Exact Sciences
Classification: Likely benign for ZNF804A-related condition. Last evaluated: 2022-08-29. Review status: no assertion criteria provided. Collection method: clinical testing. Allele origin: germline.
Comment: This variant is classified as likely benign based on ACMG/AMP sequence variant interpretation guidelines (Richards et al. 2015 PMID: 25741868, with internal and published modifications).

NM_194250.2(ZNF804A):c.371G>A (p.Arg124Lys)

Gene: ZNF804A (zinc finger protein 804A; plus strand). Cytogenetic location: 2q32.1.
Variant type: single nucleotide variant.
Coding change: c.371G>A on transcript NM_194250.2 (MANE Select); coding-DNA position 371, G replaced by A.
Protein change: p.Arg124Lys; replaces arginine 124 with lysine.
Molecular consequence: missense variant.
Genome position (GRCh38, 1-based): chr2:184,933,718, G>A. VCF-style: chr2-184933718-G-A. GRCh37 (hg19) VCF-style: chr2-185798445-G-A.
Other names: short protein forms R124K.
Identifiers: ClinVar variation 3040029 (VCV003040029.2), dbSNP rs115556450, ClinGen allele CA2015766.